The following is an entry in ClinVar:

ClinVar aggregate classification (germline): Pathogenic (1 of 4 stars; one submission).

Conditions:
DICER1-related tumor predisposition. Also called: DICER1-related pleuropulmonary blastoma cancer predisposition syndrome; DICER1 syndrome. Identifiers: Orphanet 284343, MedGen C3839822, MONDO:0100216.

Submission:

Labcorp Genetics (formerly Invitae), Labcorp
Classification: Pathogenic for DICER1-related tumor predisposition. Last evaluated: 2023-12-05. Review status: criteria provided, single submitter. Criteria: Invitae Variant Classification Sherloc (09022015). Collection method: clinical testing. Allele origin: germline.
Comment: This sequence change creates a premature translational stop signal (p.Tyr1357Ilefs*22) in the DICER1 gene. It is expected to result in an absent or disrupted protein product. Loss-of-function variants in DICER1 are known to be pathogenic (PMID: 19556464, 21266384). This variant is not present in population databases (gnomAD no frequency). This variant has not been reported in the literature in individuals affected with DICER1-related conditions. For these reasons, this variant has been classified as Pathogenic.

Literature cited by the submitters: PubMed 19556464; PubMed 21266384.

NM_177438.3(DICER1):c.4068del (p.Tyr1357fs)

Gene: DICER1 (dicer 1, ribonuclease III; minus strand). Cytogenetic location: 14q32.13.
Variant type: Deletion.
Coding change: c.4068del on transcript NM_177438.3 (MANE Select); coding-DNA position 4068, one base deleted (G; older notation c.4068delG).
Protein change: p.Tyr1357fs; shifts the reading frame from tyrosine 1357.
Molecular consequence: frameshift variant. On other transcripts: non-coding transcript variant (6).
Genome position (GRCh38, 1-based): chr14:95,099,918, C deleted on the plus strand (G on the coding strand, the reverse complement: DICER1 is on the minus strand). VCF-style (leftmost placement, unchanged base first): chr14-95099917-AC-A. GRCh37 (hg19) VCF-style: chr14-95566254-AC-A.
Other names: c.2385del, p.Tyr796fs (NM_001395697.1); c.4068del, p.Tyr1357fs (NM_030621.4, NM_001395692.1, NM_001395693.1 and 12 more transcripts); c.3501del, p.Tyr1168fs (NM_001395691.1); c.3663del, p.Tyr1222fs (NM_001395696.1, NM_001395687.1, NM_001395688.1 and 2 more transcripts); c.4068delG, p.Tyr1357Ilefs (NM_001395681.1); c.3786del, p.Tyr1263fs (NM_001395686.1); short protein forms Y1222fs, Y1357fs, Y1168fs, Y1263fs, Y796fs.
Identifiers: ClinVar variation 2700959 (VCV002700959.3), dbSNP rs2542603366, ClinGen allele CA2697554173.